The following is an entry in ClinVar:

ClinVar aggregate classification (germline): Uncertain significance (1 of 4 stars; one submission).

Submission:

Labcorp Genetics (formerly Invitae), Labcorp
Classification: Uncertain significance. Last evaluated: 2023-07-10. Review status: criteria provided, single submitter. Criteria: Invitae Variant Classification Sherloc (09022015). Collection method: clinical testing. Allele origin: germline.
Comment: This sequence change replaces serine, which is neutral and polar, with proline, which is neutral and non-polar, at codon 22 of the COL9A1 protein (p.Ser22Pro). This variant is not present in population databases (gnomAD no frequency). This variant has not been reported in the literature in individuals affected with COL9A1-related conditions. ClinVar contains an entry for this variant (Variation ID: 1051504). Advanced modeling of protein sequence and biophysical properties (such as structural, functional, and spatial information, amino acid conservation, physicochemical variation, residue mobility, and thermodynamic stability) performed at Invitae indicates that this missense variant is not expected to disrupt COL9A1 protein function. In summary, the available evidence is currently insufficient to determine the role of this variant in disease. Therefore, it has been classified as a Variant of Uncertain Significance.

NM_001851.6(COL9A1):c.64T>C (p.Ser22Pro)

Gene: COL9A1 (collagen type IX alpha 1 chain; minus strand). Cytogenetic location: 6q13.
Variant type: single nucleotide variant.
Coding change: c.64T>C on transcript NM_001851.6 (MANE Select); coding-DNA position 64, T replaced by C.
Protein change: p.Ser22Pro; replaces serine 22 with proline.
Molecular consequence: missense variant.
Genome position (GRCh38, 1-based): chr6:70,302,025, A>G on the plus strand (T>C on the coding strand, the complement: COL9A1 is on the minus strand). VCF-style: chr6-70302025-A-G. GRCh37 (hg19) VCF-style: chr6-71011728-A-G.
Other names: c.64T>C, p.Ser22Pro (NM_001377291.1); short protein forms S22P.
Identifiers: ClinVar variation 1051504 (VCV001051504.6), dbSNP rs765061853, ClinGen allele CA364675957.
Genomic context (GRCh38, chr6:70,302,025, plus strand): 5'-AGTGATCTTTGAAAGTCTAGAAACTATGGCCCTTACTGGGGCGACGCTTGACAGCTGCAG[A>G]TGCCCAGGGTTCCAGGAAACTGCACACAAAGAAGAAAACTGGAATTTTCCTGAAGAAGAG-3'
Protein context (NP_001842.3, residues 12-32): FVCSFLEPWA[Ser22Pro]AAVKRRPRFP